The following is an entry in ClinVar:

NM_001360.3(DHCR7):c.658A>T (p.Met220Leu)

Gene: DHCR7 (7-dehydrocholesterol reductase; minus strand). Cytogenetic location: 11q13.4.
Variant type: single nucleotide variant.
Coding change: c.658A>T on transcript NM_001360.3 (MANE Select); coding-DNA position 658, A replaced by T.
Protein change: p.Met220Leu; replaces methionine 220 with leucine.
Molecular consequence: missense variant.
Genome position (GRCh38, 1-based): chr11:71,439,052, T>A on the plus strand (A>T on the coding strand, the complement: DHCR7 is on the minus strand). VCF-style: chr11-71439052-T-A. GRCh37 (hg19) VCF-style: chr11-71150098-T-A.
Other names: c.658A>T, p.Met220Leu (NM_001163817.2); c.658A>T (NM_001360.2); short protein forms M220L.
Identifiers: ClinVar variation 502017 (VCV000502017.9), dbSNP rs200659923, ClinGen allele CA224328030.
Genomic context (GRCh38, chr11:71,439,052, plus strand): 5'-TGAAGAACAGCTTGAAGTCAAACCACTTCCCGATCCGAGGGTTAAACTCGATGCCCATCA[T>A]GTAGTTGTAAAAGAAATTGCCTGTGAATTTGCTTAAAAATATAAATAAAAGATACATTTA-3'
Protein context (NP_001351.2, residues 210-230): KFTGNFFYNY[Met220Leu]MGIEFNPRIG

ClinVar aggregate classification (germline): Uncertain significance. Review status: criteria provided, multiple submitters, no conflicts (2 of 4 stars). 4 submissions from 4 submitters: Uncertain significance (4). Last evaluated 2025-05-16.

Conditions:
Inborn genetic diseases. Identifiers: MedGen C0950123, MeSH D030342.
Smith-Lemli-Opitz syndrome (SLOS). Also called: 7-Dehydrocholesterol reductase deficiency; LETHAL ACRODYSGENITAL SYNDROME; POLYDACTYLY, SEX REVERSAL, RENAL HYPOPLASIA, AND UNILOBAR LUNG; RSH SYNDROME; RUTLEDGE LETHAL MULTIPLE CONGENITAL ANOMALY SYNDROME. Identifiers: Orphanet 818, MedGen C0175694, MONDO:0010035, OMIM 270400.

Allele frequency attached by ClinVar (database versions not stated): gnomAD 0.00001; TOPMed 0.00002.
gnomAD v4.1: 6 of 1,613,946 alleles (0.00037%); highest among the groups gnomAD compares: Admixed American, 0.01%; no homozygotes.

Submissions (4):

Ambry Genetics
Classification: Uncertain significance for Inborn genetic diseases. Last evaluated: 2025-05-16. Review status: criteria provided, single submitter. Criteria: Ambry Variant Classification Scheme 2023. Collection method: clinical testing. Allele origin: germline.

Labcorp Genetics (formerly Invitae), Labcorp
Classification: Uncertain significance for Smith-Lemli-Opitz syndrome. Last evaluated: 2025-01-06. Review status: criteria provided, single submitter. Criteria: Invitae Variant Classification Sherloc (09022015). Collection method: clinical testing. Allele origin: germline.
Comment: This sequence change replaces methionine, which is neutral and non-polar, with leucine, which is neutral and non-polar, at codon 220 of the DHCR7 protein (p.Met220Leu). This variant is present in population databases (no rsID available, gnomAD 0.01%). This variant has not been reported in the literature in individuals affected with DHCR7-related conditions. ClinVar contains an entry for this variant (Variation ID: 502017). Invitae Evidence Modeling of protein sequence and biophysical properties (such as structural, functional, and spatial information, amino acid conservation, physicochemical variation, residue mobility, and thermodynamic stability) indicates that this missense variant is not expected to disrupt DHCR7 protein function with a negative predictive value of 95%. In summary, the available evidence is currently insufficient to determine the role of this variant in disease. Therefore, it has been classified as a Variant of Uncertain Significance.

Fulgent Genetics
Classification: Uncertain significance for Smith-Lemli-Opitz syndrome. Last evaluated: 2022-04-18. Review status: criteria provided, single submitter. Criteria: ACMG Guidelines, 2015. Collection method: clinical testing. Allele origin: unknown.

Eurofins Ntd Llc (ga)
Classification: Uncertain significance. Last evaluated: 2017-05-18. Review status: criteria provided, single submitter. Criteria: EGL Classification Definitions 2015. Collection method: clinical testing. Allele origin: germline. Observed: 1 variant allele, 1 heterozygote.